The following is an entry in ClinVar:

NM_007186.6(CEP250):c.7256C>A (p.Thr2419Asn)

Gene: CEP250 (centrosomal protein 250; plus strand). Cytogenetic location: 20q11.22.
Variant type: single nucleotide variant.
Coding change: c.7256C>A on transcript NM_007186.6 (MANE Select); coding-DNA position 7256, C replaced by A.
Protein change: p.Thr2419Asn; replaces threonine 2419 with asparagine.
Molecular consequence: missense variant.
Genome position (GRCh38, 1-based): chr20:35,511,553, C>A. VCF-style: chr20-35511553-C-A. GRCh37 (hg19) VCF-style: chr20-34099382-C-A.
Other names: c.5360C>A, p.Thr1787Asn (NM_001318219.1); short protein forms T1787N, T2419N.
Identifiers: ClinVar variation 1394773 (VCV001394773.6), dbSNP rs753961048, ClinGen allele CA408762518.

ClinVar aggregate classification (germline): Uncertain significance (1 of 4 stars; one submission).

gnomAD v4.1: 8 of 1,614,074 alleles (0.0005%); highest among the groups gnomAD compares: Non-Finnish European, 0.00068%; no homozygotes.

Submission:

Labcorp Genetics (formerly Invitae), Labcorp
Classification: Uncertain significance. Last evaluated: 2025-05-29. Review status: criteria provided, single submitter. Criteria: Invitae Variant Classification Sherloc (09022015). Collection method: clinical testing. Allele origin: germline.
Comment: This sequence change replaces threonine, which is neutral and polar, with asparagine, which is neutral and polar, at codon 2419 of the CEP250 protein (p.Thr2419Asn). This variant is not present in population databases (gnomAD no frequency). This variant has not been reported in the literature in individuals affected with CEP250-related conditions. ClinVar contains an entry for this variant (Variation ID: 1394773). An algorithm developed to predict the effect of missense changes on protein structure and function outputs the following: PolyPhen-2: "Benign". The asparagine amino acid residue is found in multiple mammalian species, which suggests that this missense change does not adversely affect protein function. In summary, the available evidence is currently insufficient to determine the role of this variant in disease. Therefore, it has been classified as a Variant of Uncertain Significance.